The following is an entry in ClinVar:

NM_006852.6(TLK2):c.1499A>G (p.Asp500Gly)

Gene: TLK2 (tousled like kinase 2; plus strand). Cytogenetic location: 17q23.2.
Variant type: single nucleotide variant.
Coding change: c.1499A>G on transcript NM_006852.6 (MANE Select); coding-DNA position 1499, A replaced by G.
Protein change: p.Asp500Gly; replaces aspartic acid 500 with glycine.
Molecular consequence: missense variant.
Genome position (GRCh38, 1-based): chr17:62,596,623, A>G. VCF-style: chr17-62596623-A-G. GRCh37 (hg19) VCF-style: chr17-60673984-A-G.
Other names: c.1565A>G, p.Asp522Gly (NM_001284333.3); c.1403A>G, p.Asp468Gly (NM_001284363.1, NM_001375272.1); c.1052A>G, p.Asp351Gly (NM_001330418.3, NM_001375273.1); c.1541A>G, p.Asp514Gly (NM_001375269.1); c.1499A>G, p.Asp500Gly (NM_001375270.1, NM_001375271.1); c.1499A>G (NM_006852.3); short protein forms D351G, D468G, D500G, D514G, D522G.
Identifiers: ClinVar variation 1331569 (VCV001331569.5), dbSNP rs757207258, ClinGen allele CA400509029.
Genomic context (GRCh38, chr17:62,596,623, plus strand): 5'-TAATTTTCCCTTTTGTTTACAGGCATGCATGTAGGGAATACCGGATTCATAAAGAGCTGG[A>G]TCATCCCAGAATAGTTAAGCTGTATGATTACTTTTCACTGGATACTGACTCGTAAGTGCT-3'
Protein context (NP_006843.2, residues 490-510): CREYRIHKEL[Asp500Gly]HPRIVKLYDY

ClinVar aggregate classification (germline): Uncertain significance. Review status: criteria provided, multiple submitters, no conflicts (2 of 4 stars). 2 submissions from 2 submitters: Uncertain significance (2). Last evaluated 2026-03-26.

Allele frequency attached by ClinVar (database versions not stated): TOPMed below 0.00001; gnomAD 0.00001.
gnomAD v4.1: 1 of 1,614,062 alleles (0.000062%); highest among the groups gnomAD compares: Non-Finnish European, 0.000085%; no homozygotes.

Submissions (2):

GeneDx
Classification: Uncertain significance. Last evaluated: 2026-03-26. Review status: criteria provided, single submitter. Criteria: GeneDx Variant Classification Process June 2021. Collection method: clinical testing. Allele origin: germline.
Comment: Not observed at significant frequency in large population cohorts (gnomAD); In silico analysis supports that this missense variant has a deleterious effect on protein structure/function; Has not been previously published as pathogenic or benign to our knowledge

Greenwood Genetic Center Diagnostic Laboratories, Greenwood Genetic Center
Classification: Uncertain significance. Last evaluated: 2021-02-04. Review status: criteria provided, single submitter. Criteria: ACMG Guidelines, 2015. Collection method: clinical testing. Allele origin: germline. Affected: yes.
Comment: PM2